The following is an entry in ClinVar:

NR_001566.3(TERC):n.278C>G

Genes: TERC (telomerase RNA component; minus strand), LOC110806306 (telomerase RNA component (TERC) promoter; plus strand). Cytogenetic location: 3q26.2.
Variant type: single nucleotide variant.
Molecular consequence: non-coding transcript variant (on NR_001566.3).
Genome position: GRCh38 VCF-style: chr3-169764783-G-C. GRCh37 (hg19) VCF-style: chr3-169482571-G-C.
Identifiers: ClinVar variation 4748283 (VCV004748283.1).

ClinVar aggregate classification (germline): Uncertain significance (1 of 4 stars; one submission).

Conditions:
Dyskeratosis congenita, autosomal dominant 1 (DKCA1). Also called: Dyskeratosis congenita Scoggins type. Identifiers: Orphanet 1775, MedGen C4551974, MONDO:0007485, OMIM 127550. Inheritance: Variable.

Submission:

Labcorp Genetics (formerly Invitae), Labcorp
Classification: Uncertain significance for Dyskeratosis congenita, autosomal dominant 1. Last evaluated: 2025-02-20. Review status: criteria provided, single submitter. Criteria: Invitae Variant Classification Sherloc (09022015). Collection method: clinical testing. Allele origin: germline.
Comment: This variant occurs in the TERC gene, which encodes an RNA molecule that does not result in a protein product. This variant is not present in population databases (gnomAD no frequency). This variant has not been reported in the literature in individuals affected with TERC-related conditions. This variant is located within the conserved regions 4 and 5 (CR4-CR5) domain of the TERC RNA component, which is required for telomerase activity (PMID: 15082312, 21844345). In summary, the available evidence is currently insufficient to determine the role of this variant in disease. Therefore, it has been classified as a Variant of Uncertain Significance.

Literature cited by the submitters: PubMed 15082312; PubMed 21844345.